The following is an entry in ClinVar:

ClinVar aggregate classification (germline): Likely pathogenic (1 of 4 stars; one submission).

Conditions:
Athabaskan severe combined immunodeficiency (SCIDA). Also called: Severe combined immunodeficiency, athabascan-type. Identifiers: MedGen C1865370.

Submission:

Natera, Inc.
Classification: Likely pathogenic for Athabascan severe combined immunodeficiency. Last evaluated: 2024-04-12. Review status: criteria provided, single submitter. Criteria: Natera Variant Classification Schema (03/2026). Collection method: clinical testing. Allele origin: germline.
Comment: The c.1699_1700delAG variant in DCLRE1C is a frameshift variant predicted to shift the reading frame beginning at codon 567 and leads to a stop codon 10 codons downstream. This variant is expected to result in nonsense mediated decay, truncation, or a dysfunctional protein product. This variant is rare in the general population with a frequency below the threshold expected for the associated phenotype(s). Given the available evidence, this variant is classified as Likely Pathogenic.

NM_001033855.3(DCLRE1C):c.1699_1700del (p.Ser567fs)

Gene: DCLRE1C (DNA cross-link repair 1C; minus strand). Cytogenetic location: 10p13.
Variant type: Deletion.
Coding change: c.1699_1700del on transcript NM_001033855.3 (MANE Select); coding-DNA positions 1699 to 1700, 2 bases deleted (AG; older notation c.1699_1700delAG).
Protein change: p.Ser567fs; shifts the reading frame from serine 567.
Molecular consequence: frameshift variant. On other transcripts: non-coding transcript variant (4).
Genome position (GRCh38, 1-based): chr10:14,908,787-14,908,788, CT deleted on the plus strand (AG on the coding strand, the reverse complement: DCLRE1C is on the minus strand). VCF-style (leftmost placement, unchanged base first): chr10-14908786-ACT-A. GRCh37 (hg19) VCF-style: chr10-14950785-ACT-A.
Other names: c.1339_1340del, p.Ser447fs (NM_001033857.3, NM_001033858.3, NM_001289077.2 and 2 more transcripts); c.1354_1355del, p.Ser452fs (NM_001289076.2, NM_001289078.2, NM_001350966.2 and 1 more transcripts); c.1699_1700del, p.Ser567fs (NM_001350965.2); short protein forms S447fs, S452fs, S567fs.
Identifiers: ClinVar variation 4814548 (VCV004814548.1).